The following is an entry in ClinVar:

NM_022765.4(MICAL1):c.2377G>A (p.Gly793Ser)

Gene: MICAL1 (microtubule associated monooxygenase, calponin and LIM domain containing 1; minus strand). Cytogenetic location: 6q21.
Variant type: single nucleotide variant.
Coding change: c.2377G>A on transcript NM_022765.4 (MANE Select); coding-DNA position 2377, G replaced by A.
Protein change: p.Gly793Ser; replaces glycine 793 with serine.
Molecular consequence: missense variant.
Genome position (GRCh38, 1-based): chr6:109,446,340, C>T on the plus strand (G>A on the coding strand, the complement: MICAL1 is on the minus strand). VCF-style: chr6-109446340-C-T. GRCh37 (hg19) VCF-style: chr6-109767543-C-T.
Other names: c.2119G>A, p.Gly707Ser (NM_001159291.2); c.2434G>A, p.Gly812Ser (NM_001286613.2); c.2377G>A (NM_022765.3); short protein forms G793S, G812S, G707S.
Identifiers: ClinVar variation 1378238 (VCV001378238.7), dbSNP rs148422524, ClinGen allele CA3952913.

ClinVar aggregate classification (germline): Conflicting classifications of pathogenicity. Review status: criteria provided, conflicting classifications (1 of 4 stars). 2 submissions from 2 submitters: Uncertain significance (1); Likely benign (1). Last evaluated 2025-11-12.

Allele frequency attached by ClinVar (database versions not stated): TOPMed 0.00003; ExAC 0.00004; gnomAD exomes 0.00005; ESP Exome Variant Server 0.00008; gnomAD 0.00009 and 0.00010.
gnomAD v4.1: 48 of 1,613,212 alleles (0.003%); highest among the groups gnomAD compares: Admixed American, 0.023%; no homozygotes.

Submissions (2):

Labcorp Genetics (formerly Invitae), Labcorp
Classification: Uncertain significance. Last evaluated: 2025-11-12. Review status: criteria provided, single submitter. Criteria: Invitae Variant Classification Sherloc (09022015). Collection method: clinical testing. Allele origin: germline.
Comment: This sequence change replaces glycine, which is neutral and non-polar, with serine, which is neutral and polar, at codon 812 of the MICAL1 protein (p.Gly812Ser). This variant is present in population databases (rs148422524, gnomAD 0.02%). This variant has not been reported in the literature in individuals affected with MICAL1-related conditions. ClinVar contains an entry for this variant (Variation ID: 1378238). An algorithm developed to predict the effect of missense changes on protein structure and function outputs the following: PolyPhen-2: "Benign". The serine amino acid residue is found in multiple mammalian species, which suggests that this missense change does not adversely affect protein function. In summary, the available evidence is currently insufficient to determine the role of this variant in disease. Therefore, it has been classified as a Variant of Uncertain Significance.

Ambry Genetics
Classification: Likely benign. Last evaluated: 2024-09-02. Review status: criteria provided, single submitter. Criteria: Ambry Variant Classification Scheme 2023. Collection method: clinical testing. Allele origin: germline.